The following is an entry in ClinVar:

ClinVar aggregate classification (germline): Benign/Likely benign. Review status: criteria provided, multiple submitters, no conflicts (2 of 4 stars). 4 submissions from 4 submitters: Benign (2); Likely benign (2). Last evaluated 2026-01-29.

Conditions:
Donnai-Barrow syndrome. Also called: DBS/FOAR SYNDROME; FACIOOCULOACOUSTICORENAL SYNDROME. Identifiers: Orphanet 2143, MedGen C1857277, MONDO:0009104, OMIM 222448.

Allele frequency attached by ClinVar (database versions not stated): 1000 Genomes Project 30x 0.00031; gnomAD 0.00195 and 0.00192; TOPMed 0.00197; 1000 Genomes Project 0.00040; gnomAD exomes 0.00168 and 0.00257; ExAC 0.00178; ESP Exome Variant Server 0.00215.
gnomAD v4.1: 4,018 of 1,612,248 alleles (0.25%); highest among the groups gnomAD compares: Middle Eastern, 0.38%; 9 homozygotes.

Submissions (4):

Labcorp Genetics (formerly Invitae), Labcorp
Classification: Benign. Last evaluated: 2026-01-29. Review status: criteria provided, single submitter. Criteria: Invitae Variant Classification Sherloc (09022015). Collection method: clinical testing. Allele origin: germline.

Genome-Nilou Lab
Classification: Benign for Donnai-Barrow syndrome. Last evaluated: 2021-07-15. Review status: criteria provided, single submitter. Criteria: ACMG Guidelines, 2015. Collection method: clinical testing. Allele origin: germline. Affected: no.

Illumina Laboratory Services, Illumina
Classification: Likely benign for Donnai-Barrow syndrome. Last evaluated: 2018-01-13. Review status: criteria provided, single submitter. Criteria: ICSL Variant Classification Criteria 13 December 2019. Collection method: clinical testing. Allele origin: germline.
Comment: This variant was observed in the ICSL laboratory as part of a predisposition screen in an ostensibly healthy population. It had not been previously curated by ICSL or reported in the Human Gene Mutation Database (HGMD: prior to June 1st, 2018), and was therefore a candidate for classification through an automated scoring system. Utilizing variant allele frequency, disease prevalence and penetrance estimates, and inheritance mode, an automated score was calculated to assess if this variant is too frequent to cause the disease. Based on the score and internal cut-off values, a variant classified as likely benign is not then subjected to further curation. The score for this variant resulted in a classification of likely benign for this disease.

Breakthrough Genomics
Classification: Likely benign. Review status: criteria provided, single submitter. Criteria: ACMG Guidelines, 2015. Collection method: not provided. Allele origin: germline. Inheritance: Autosomal recessive inheritance. Affected: yes.

NM_004525.3(LRP2):c.2513+14T>C

Gene: LRP2 (LDL receptor related protein 2; minus strand). Cytogenetic location: 2q31.1.
Variant type: single nucleotide variant.
Coding change: c.2513+14T>C on transcript NM_004525.3 (MANE Select); 14 bases into the intron after coding-DNA position 2513, T replaced by C.
Molecular consequence: intron variant.
Genome position (GRCh38, 1-based): chr2:169,259,011, A>G on the plus strand (T>C on the coding strand, the complement: LRP2 is on the minus strand). VCF-style: chr2-169259011-A-G. GRCh37 (hg19) VCF-style: chr2-170115521-A-G.
Identifiers: ClinVar variation 332189 (VCV000332189.16), dbSNP rs201785482, ClinGen allele CA1955284.